The following is an entry in ClinVar:

NM_032273.4(TMEM126A):c.382G>A (p.Gly128Ser)

Gene: TMEM126A (transmembrane protein 126A; plus strand). Cytogenetic location: 11q14.1.
Variant type: single nucleotide variant.
Coding change: c.382G>A on transcript NM_032273.4 (MANE Select); coding-DNA position 382, G replaced by A.
Protein change: p.Gly128Ser; replaces glycine 128 with serine.
Molecular consequence: missense variant.
Genome position (GRCh38, 1-based): chr11:85,655,695, G>A. VCF-style: chr11-85655695-G-A. GRCh37 (hg19) VCF-style: chr11-85366739-G-A.
Other names: c.172G>A, p.Gly58Ser (NM_001244735.2); short protein forms G128S, G58S.
Identifiers: ClinVar variation 2104342 (VCV002104342.4), dbSNP rs1212501988, ClinGen allele CA381996988.

ClinVar aggregate classification (germline): Uncertain significance (1 of 4 stars; one submission).

gnomAD v4.1: 2 of 1,612,684 alleles (0.00012%); highest among the groups gnomAD compares: East Asian, 0.0045%; no homozygotes.

Submission:

Labcorp Genetics (formerly Invitae), Labcorp
Classification: Uncertain significance. Last evaluated: 2022-08-19. Review status: criteria provided, single submitter. Criteria: Invitae Variant Classification Sherloc (09022015). Collection method: clinical testing. Allele origin: germline.
Comment: In summary, the available evidence is currently insufficient to determine the role of this variant in disease. Therefore, it has been classified as a Variant of Uncertain Significance. Algorithms developed to predict the effect of missense changes on protein structure and function output the following: SIFT: "Tolerated"; PolyPhen-2: "Benign"; Align-GVGD: "Class C0". The serine amino acid residue is found in multiple mammalian species, which suggests that this missense change does not adversely affect protein function. This variant has not been reported in the literature in individuals affected with TMEM126A-related conditions. This variant is present in population databases (no rsID available, gnomAD 0.006%). This sequence change replaces glycine, which is neutral and non-polar, with serine, which is neutral and polar, at codon 128 of the TMEM126A protein (p.Gly128Ser).